The following is an entry in ClinVar:

NM_000443.4(ABCB4):c.965T>C (p.Leu322Pro)

Gene: ABCB4 (ATP binding cassette subfamily B member 4; minus strand). Cytogenetic location: 7q21.12.
Variant type: single nucleotide variant.
Coding change: c.965T>C on transcript NM_000443.4 (MANE Select); coding-DNA position 965, T replaced by C.
Protein change: p.Leu322Pro; replaces leucine 322 with proline.
Molecular consequence: missense variant.
Genome position (GRCh38, 1-based): chr7:87,447,074, A>G on the plus strand (T>C on the coding strand, the complement: ABCB4 is on the minus strand). VCF-style: chr7-87447074-A-G. GRCh37 (hg19) VCF-style: chr7-87076390-A-G.
Other names: c.965T>C, p.Leu322Pro (NM_018849.3, NM_018850.3); short protein forms L322P.
Identifiers: ClinVar variation 4846533 (VCV004846533.1).

ClinVar aggregate classification (germline): Likely pathogenic (1 of 4 stars; one submission).

Conditions:
Familial intrahepatic cholestasis. Identifiers: Orphanet 284385, MedGen CN296401, MONDO:0017290.

Submission:

Genomenon, Inc
Classification: Likely pathogenic for Familial intrahepatic cholestasis. Last evaluated: 2026-04-14. Review status: criteria provided, single submitter. Criteria: Genomenon Sequence Variant Interpretation Standards - Updated. Collection method: curation. Allele origin: germline. Affected: yes.
Comment: ABCB4 p.Leu322Pro (c.965T>C) is a missense variant that changes the amino acid at residue 322 from Leucine to Proline. This variant has been observed in at least one proband with an ABCB4-related disorder (PMID:39132680;36550572). The variant was found to segregate with disease in at least one affected family (PMID:39132680). It is absent or not present at a significant frequency in gnomAD. In silico models predict that this variant is possibly or probably damaging. In conclusion, we classify ABCB4 p.Leu322Pro (c.965T>C) as a likely pathogenic variant.

Literature cited by the submitters: PubMed 39132680; PubMed 36550572.